The following is an entry in ClinVar:

ClinVar aggregate classification (germline): Uncertain significance. Review status: criteria provided, single submitter (1 of 4 stars). 2 submissions from 2 submitters: Uncertain significance (1). 1 of the submissions does not count toward it. Last evaluated 2025-08-03.

Conditions:
ZFHX3-related disorder. Also called: ZFHX3-related condition.

Allele frequency attached by ClinVar (database versions not stated): gnomAD exomes 0.00033; ExAC 0.00110; ESP Exome Variant Server 0.00277; gnomAD 0.00302; TOPMed 0.00361; 1000 Genomes Project 0.00419; 1000 Genomes Project 30x 0.00468.
gnomAD v4.1: 947 of 1,613,820 alleles (0.059%); highest among the groups gnomAD compares: African/African-American, 1.1%; 6 homozygotes.

Submissions (2):

Ambry Genetics
Classification: Uncertain significance. Last evaluated: 2025-08-03. Review status: criteria provided, single submitter. Criteria: Ambry Variant Classification Scheme 2023. Collection method: clinical testing. Allele origin: germline.

PreventionGenetics, part of Exact Sciences
Classification: Benign for ZFHX3-related condition. Last evaluated: 2019-11-06. Review status: no assertion criteria provided. Collection method: clinical testing. Allele origin: germline. Not counted in ClinVar's aggregate classification.
Comment: This variant is classified as benign based on ACMG/AMP sequence variant interpretation guidelines (Richards et al. 2015 PMID: 25741868, with internal and published modifications).

NM_006885.4(ZFHX3):c.436A>G (p.Ser146Gly)

Gene: ZFHX3 (zinc finger homeobox 3; minus strand). Cytogenetic location: 16q22.3.
Variant type: single nucleotide variant.
Coding change: c.436A>G on transcript NM_006885.4 (MANE Select); coding-DNA position 436, A replaced by G.
Protein change: p.Ser146Gly; replaces serine 146 with glycine.
Molecular consequence: missense variant. On other transcripts: intron variant (1).
Genome position (GRCh38, 1-based): chr16:72,959,710, T>C on the plus strand (A>G on the coding strand, the complement: ZFHX3 is on the minus strand). VCF-style: chr16-72959710-T-C. GRCh37 (hg19) VCF-style: chr16-72993609-T-C.
Other names: c.436A>G, p.Ser146Gly (NM_001386735.1); c.-23-8745A>G (NM_001164766.2); short protein forms S146G.
Identifiers: ClinVar variation 3045442 (VCV003045442.3), dbSNP rs58480263, ClinGen allele CA8164988.